The following is an entry in ClinVar:

ClinVar aggregate classification (germline): Likely pathogenic. Review status: criteria provided, multiple submitters, no conflicts (2 of 4 stars). 2 submissions from 2 submitters: Likely pathogenic (2). Last evaluated 2026-07-13.

Conditions:
X-linked Alport syndrome (ATS1). Also called: NEPHROPATHY AND DEAFNESS, X-LINKED; COL4A5-Related Nephropathy. Identifiers: Orphanet 63, Orphanet 88917, MedGen C4746986, MONDO:0010520, OMIM 301050.

Submissions (2):

Centre de Génétique Humaine, Institut de Pathologie Et de Génétique
Classification: Likely pathogenic for X-linked Alport syndrome. Last evaluated: 2026-07-13. Review status: criteria provided, single submitter. Criteria: ACMG Guidelines, 2015. Collection method: clinical testing. Allele origin: germline. Inheritance: X-linked dominant inheritance. Affected: yes. Observed: 1 variant allele, 1 heterozygote. Segregation with disease not observed.
Comment: This missense variant involves a highly conserved glycine located in a ‘Gly-X-Y’ motif in collagenous region, (PM1,PP2). This variant is rare: absent in gnomAD v4.1.0 database (PM2). Three other missense variants affecting the same residue described as likely pathogenic/pathogenic: c.865G>C p.(Gly 289Arg), PMID: 29095814; c.866G>T p.(Gly 289Val), PMID: 7706490 and ClinVar; c.866G>A (p.Gly289Asp) in ClinVar. (PM5). In silico analysis supports that this missense variant has a deleterious effect (PP3). Described in scientific literature and ClinVar as LP/P (PP5).

Medical Genetics, University of Parma
Classification: Likely pathogenic for X-linked Alport syndrome. Last evaluated: 2020-03-11. Review status: criteria provided, single submitter. Criteria: ACMG Guidelines, 2015. Collection method: clinical testing. Allele origin: germline. Affected: yes.

Literature cited by the submitters: PubMed 40057613 (cited by Centre de Génétique Humaine, Institut de Pathologie Et de Génétique); PubMed 40485705 (cited by Centre de Génétique Humaine, Institut de Pathologie Et de Génétique).

NM_033380.3(COL4A5):c.865G>A (p.Gly289Ser)

Gene: COL4A5 (collagen type IV alpha 5 chain; plus strand). Cytogenetic location: Xq22.3.
Variant type: single nucleotide variant.
Coding change: c.865G>A on transcript NM_033380.3 (MANE Select); coding-DNA position 865, G replaced by A.
Protein change: p.Gly289Ser; replaces glycine 289 with serine.
Molecular consequence: missense variant.
Genome position (GRCh38, 1-based): chrX:108,580,712, G>A. VCF-style: chrX-108580712-G-A. GRCh37 (hg19) VCF-style: chrX-107823942-G-A.
Other names: p.(Gly289Ser); c.865G>A, p.Gly289Ser (NM_000495.5); short protein forms G289S.
Identifiers: ClinVar variation 870353 (VCV000870353.2), dbSNP rs2066231013, ClinGen allele CA413926272.